The following is an entry in ClinVar:

ClinVar aggregate classification (germline): Uncertain significance (1 of 4 stars; one submission).

Allele frequency attached by ClinVar (database versions not stated): gnomAD exomes below 0.00001; TOPMed below 0.00001; gnomAD 0.00001.
gnomAD v4.1: 2 of 1,612,456 alleles (0.00012%); highest among the groups gnomAD compares: Non-Finnish European, 0.00017%; no homozygotes.

Submission:

Labcorp Genetics (formerly Invitae), Labcorp
Classification: Uncertain significance. Last evaluated: 2022-10-17. Review status: criteria provided, single submitter. Criteria: Invitae Variant Classification Sherloc (09022015). Collection method: clinical testing. Allele origin: germline.
Comment: This variant is not present in population databases (gnomAD no frequency). In summary, the available evidence is currently insufficient to determine the role of this variant in disease. Therefore, it has been classified as a Variant of Uncertain Significance. Algorithms developed to predict the effect of missense changes on protein structure and function (SIFT, PolyPhen-2, Align-GVGD) all suggest that this variant is likely to be disruptive. ClinVar contains an entry for this variant (Variation ID: 1500901). This variant has not been reported in the literature in individuals affected with CEP135-related conditions. This sequence change replaces glutamic acid, which is acidic and polar, with glycine, which is neutral and non-polar, at codon 847 of the CEP135 protein (p.Glu847Gly).

NM_025009.5(CEP135):c.2540A>G (p.Glu847Gly)

Gene: CEP135 (centrosomal protein 135; plus strand). Cytogenetic location: 4q12.
Variant type: single nucleotide variant.
Coding change: c.2540A>G on transcript NM_025009.5 (MANE Select); coding-DNA position 2540, A replaced by G.
Protein change: p.Glu847Gly; replaces glutamic acid 847 with glycine.
Molecular consequence: missense variant.
Genome position (GRCh38, 1-based): chr4:56,011,446, A>G. VCF-style: chr4-56011446-A-G. GRCh37 (hg19) VCF-style: chr4-56877612-A-G.
Other names: short protein forms E847G.
Identifiers: ClinVar variation 1500901 (VCV001500901.6), dbSNP rs1271685605, ClinGen allele CA356966393.